The following is an entry in ClinVar:

NM_002734.5(PRKAR1A):c.1133C>T (p.Ser378Leu)

Gene: PRKAR1A (protein kinase cAMP-dependent type I regulatory subunit alpha; plus strand). Cytogenetic location: 17q24.2.
Variant type: single nucleotide variant.
Coding change: c.1133C>T on transcript NM_002734.5 (MANE Select); coding-DNA position 1133, C replaced by T.
Protein change: p.Ser378Leu; replaces serine 378 with leucine.
Molecular consequence: missense variant. On other transcripts: intron variant (1).
Genome position (GRCh38, 1-based): chr17:68,530,436, C>T. VCF-style: chr17-68530436-C-T. GRCh37 (hg19) VCF-style: chr17-66526577-C-T.
Other names: c.1133C>T, p.Ser378Leu (NM_001276289.2, NM_001278433.2, NM_001369389.1 and 3 more transcripts); c.973+435C>T (NM_001276290.1); short protein forms S378L.
Identifiers: ClinVar variation 632961 (VCV000632961.6), dbSNP rs1568703465, ClinGen allele CA400755012.

ClinVar aggregate classification (germline): Uncertain significance. Review status: criteria provided, multiple submitters, no conflicts (2 of 4 stars). 2 submissions from 2 submitters: Uncertain significance (2). Last evaluated 2024-10-01.

Conditions:
Hereditary cancer-predisposing syndrome. Also called: Tumor predisposition; Neoplastic Syndromes, Hereditary; Hereditary neoplastic syndrome; Hereditary Cancer Syndrome. Identifiers: Orphanet 140162, MedGen C0027672, MeSH D009386, MONDO:0015356.

Allele frequency attached by ClinVar (database versions not stated): gnomAD exomes below 0.00001.
gnomAD v4.1: 1 of 1,614,116 alleles (0.000062%); highest among the groups gnomAD compares: Non-Finnish European, 0.000085%; no homozygotes.

Submissions (2):

Ambry Genetics
Classification: Uncertain significance for Hereditary cancer-predisposing syndrome. Last evaluated: 2024-10-01. Review status: criteria provided, single submitter. Criteria: Ambry Variant Classification Scheme 2023. Collection method: clinical testing. Allele origin: germline.
Comment: The p.S378L variant (also known as c.1133C>T), located in coding exon 10 of the PRKAR1A gene, results from a C to T substitution at nucleotide position 1133. The serine at codon 378 is replaced by leucine, an amino acid with dissimilar properties. This amino acid position is highly conserved in available vertebrate species. In addition, this alteration is predicted to be deleterious by in silico analysis. Since supporting evidence is limited at this time, the clinical significance of this alteration remains unclear.

Women's Health and Genetics/Laboratory Corporation of America, LabCorp
Classification: Uncertain significance. Last evaluated: 2017-12-11. Review status: criteria provided, single submitter. Criteria: LabCorp Variant Classification Summary - May 2015. Collection method: clinical testing. Allele origin: germline.
Comment: Variant summary: The PRKAR1A c.1133C>T (p.Ser378Leu) variant involves the alteration of a conserved nucleotide that leads to the alteration of an amino acid located at the C-terminal end of the protein located outside of any known domain (InterPro). 4/4 in silico tools predict a damaging outcome for this variant (SNPsandGO not captured due to low reliability index). This variant is absent in 246178 control chromosomes. The variant of interest has not, to our knowledge, been reported in affected individuals via publications and/or reputable databases/clinical diagnostic laboratories; nor evaluated for functional impact by in vivo/vitro studies. Because of the absence of clinical information and the lack of functional studies, the variant is classified as a variant of uncertain significance (VUS) until additional information becomes available.